The following is an entry in ClinVar:

ClinVar aggregate classification (germline): Pathogenic/Likely pathogenic. Review status: criteria provided, multiple submitters, no conflicts (2 of 4 stars). 3 submissions from 3 submitters: Pathogenic (2); Likely pathogenic (1). Last evaluated 2025-06-20.

Conditions:
Congenital myasthenic syndrome 5. Identifiers: Orphanet 590, MedGen C1864233, MONDO:0011281, OMIM 603034.

Allele frequency attached by ClinVar (database versions not stated): TOPMed 0.00003; 1000 Genomes Project 30x 0.00016; 1000 Genomes Project 0.00020.

Submissions (3):

Labcorp Genetics (formerly Invitae), Labcorp
Classification: Pathogenic for Congenital myasthenic syndrome 5. Last evaluated: 2025-06-20. Review status: criteria provided, single submitter. Criteria: Invitae Variant Classification Sherloc (09022015). Collection method: clinical testing. Allele origin: germline.
Comment: This sequence change creates a premature translational stop signal (p.Arg127*) in the COLQ gene. It is expected to result in an absent or disrupted protein product. Loss-of-function variants in COLQ are known to be pathogenic (PMID: 22678886). This variant is present in population databases (rs143766249, gnomAD 0.03%). This variant has not been reported in the literature in individuals affected with COLQ-related conditions. ClinVar contains an entry for this variant (Variation ID: 631910). For these reasons, this variant has been classified as Pathogenic.

Baylor Genetics
Classification: Likely pathogenic for Congenital myasthenic syndrome 5. Last evaluated: 2024-02-19. Review status: criteria provided, single submitter. Criteria: ACMG Guidelines, 2015. Collection method: clinical testing. Allele origin: unknown.

Revvity Omics, Revvity
Classification: Pathogenic for Congenital myasthenic syndrome 5. Last evaluated: 2020-01-28. Review status: criteria provided, single submitter. Criteria: ACMG Guidelines, 2015. Collection method: clinical testing. Allele origin: germline.

Literature cited by the submitters: PubMed 22678886 (cited by Labcorp Genetics (formerly Invitae), Labcorp).

NM_005677.4(COLQ):c.379C>T (p.Arg127Ter)

Gene: COLQ (collagen like tail subunit of asymmetric acetylcholinesterase; minus strand). Cytogenetic location: 3p25.1.
Variant type: single nucleotide variant.
Coding change: c.379C>T on transcript NM_005677.4 (MANE Select); coding-DNA position 379, C replaced by T.
Protein change: p.Arg127Ter; replaces arginine 127 with a stop codon.
Molecular consequence: nonsense.
Genome position (GRCh38, 1-based): chr3:15,478,991, G>A on the plus strand (C>T on the coding strand, the complement: COLQ is on the minus strand). VCF-style: chr3-15478991-G-A. GRCh37 (hg19) VCF-style: chr3-15520498-G-A.
Other names: c.349C>T, p.Arg117Ter (NM_080538.2); c.277C>T, p.Arg93Ter (NM_080539.4); short protein forms R127*, R117*, R93*.
Identifiers: ClinVar variation 631910 (VCV000631910.21), dbSNP rs143766249, ClinGen allele CA2276206.